The following is an entry in ClinVar:

NM_000228.3(LAMB3):c.3428G>A (p.Arg1143His)

Gene: LAMB3 (laminin subunit beta 3; minus strand). Cytogenetic location: 1q32.2.
Variant type: single nucleotide variant.
Coding change: c.3428G>A on transcript NM_000228.3 (MANE Select); coding-DNA position 3428, G replaced by A.
Protein change: p.Arg1143His; replaces arginine 1143 with histidine.
Molecular consequence: missense variant.
Genome position (GRCh38, 1-based): chr1:209,615,362, C>T on the plus strand (G>A on the coding strand, the complement: LAMB3 is on the minus strand). VCF-style: chr1-209615362-C-T. GRCh37 (hg19) VCF-style: chr1-209788707-C-T.
Other names: c.3428G>A, p.Arg1143His (NM_001017402.2, NM_001127641.1); short protein forms R1143H.
Identifiers: ClinVar variation 2141288 (VCV002141288.1), dbSNP rs1313276336, ClinGen allele CA344581079.
Genomic context (GRCh38, chr1:209,615,362, plus strand): 5'-CCATTGATGTGGTCACGGATCTGCTCCACACGCTTCTCCAGTCCTGTCAGGTCCGCTGAG[C>T]GCAGCATGATGGCCTGGCTGCCCCGCAGCAGCTCCAACTCCATGTCTGAGGCAAATGGAA-3'
Protein context (NP_000219.2, residues 1133-1153): LLRGSQAIML[Arg1143His]SADLTGLEKR

ClinVar aggregate classification (germline): Uncertain significance (1 of 4 stars; one submission).

Allele frequency attached by ClinVar (database versions not stated): gnomAD exomes 0.00001; gnomAD 0.00003; TOPMed 0.00003.

Submission:

Labcorp Genetics (formerly Invitae), Labcorp
Classification: Uncertain significance. Last evaluated: 2021-09-30. Review status: criteria provided, single submitter. Criteria: Invitae Variant Classification Sherloc (09022015). Collection method: clinical testing. Allele origin: germline.
Comment: This sequence change replaces arginine with histidine at codon 1143 of the LAMB3 protein (p.Arg1143His). The arginine residue is moderately conserved and there is a small physicochemical difference between arginine and histidine. This variant is not present in population databases (ExAC no frequency). This variant has not been reported in the literature in individuals with LAMB3-related disease. Algorithms developed to predict the effect of missense changes on protein structure and function are either unavailable or do not agree on the potential impact of this missense change (SIFT: "Deleterious"; PolyPhen-2: "Possibly Damaging"; Align-GVGD: "Class C0"). In summary, the available evidence is currently insufficient to determine the role of this variant in disease. Therefore, it has been classified as a Variant of Uncertain Significance.